The following is an entry in ClinVar:

NM_001999.4(FBN2):c.2891G>A (p.Gly964Asp)

Gene: FBN2 (fibrillin 2; minus strand). Cytogenetic location: 5q23.3.
Variant type: single nucleotide variant.
Coding change: c.2891G>A on transcript NM_001999.4 (MANE Select); coding-DNA position 2891, G replaced by A.
Protein change: p.Gly964Asp; replaces glycine 964 with aspartic acid.
Molecular consequence: missense variant.
Genome position (GRCh38, 1-based): chr5:128,349,445, C>T on the plus strand (G>A on the coding strand, the complement: FBN2 is on the minus strand). VCF-style: chr5-128349445-C-T. GRCh37 (hg19) VCF-style: chr5-127685137-C-T.
Other names: short protein forms G964D.
Identifiers: ClinVar variation 528403 (VCV000528403.9), dbSNP rs1554124089, ClinGen allele CA360765490.

ClinVar aggregate classification (germline): Uncertain significance (1 of 4 stars; one submission).

Conditions:
Congenital contractural arachnodactyly (CCA). Also called: Beals-Hecht syndrome; BEALS SYNDROME; Arthrogryposis, distal, type 9. Identifiers: Orphanet 115, MedGen C0220668, MONDO:0007363, OMIM 121050.

Submission:

Labcorp Genetics (formerly Invitae), Labcorp
Classification: Uncertain significance for Congenital contractural arachnodactyly. Last evaluated: 2017-11-24. Review status: criteria provided, single submitter. Criteria: Invitae Variant Classification Sherloc (09022015). Collection method: clinical testing. Allele origin: germline.
Comment: This sequence change replaces glycine with aspartic acid at codon 964 of the FBN2 protein (p.Gly964Asp). The glycine residue is moderately conserved and there is a moderate physicochemical difference between glycine and aspartic acid. In summary, the available evidence is currently insufficient to determine the role of this variant in disease. Therefore, it has been classified as a Variant of Uncertain Significance. Algorithms developed to predict the effect of missense changes on protein structure and function do not agree on the potential impact of this missense change (SIFT: "Deleterious"; PolyPhen-2: "Possibly Damaging"; Align-GVGD: "Class C0"). This variant has not been reported in the literature in individuals with FBN2-related disease. This variant is not present in population databases (ExAC no frequency).